The following is an entry in ClinVar:

NM_006204.4(PDE6C):c.2377C>T (p.Arg793Trp)

Gene: PDE6C (phosphodiesterase 6C; plus strand). Cytogenetic location: 10q23.33.
Variant type: single nucleotide variant.
Coding change: c.2377C>T on transcript NM_006204.4 (MANE Select); coding-DNA position 2377, C replaced by T.
Protein change: p.Arg793Trp; replaces arginine 793 with tryptophan.
Molecular consequence: missense variant.
Genome position (GRCh38, 1-based): chr10:93,663,037, C>T. VCF-style: chr10-93663037-C-T. GRCh37 (hg19) VCF-style: chr10-95422794-C-T.
Other names: short protein forms R793W.
Identifiers: ClinVar variation 1389805 (VCV001389805.7), dbSNP rs779852612, ClinGen allele CA5610491.

ClinVar aggregate classification (germline): Conflicting classifications of pathogenicity. Review status: criteria provided, conflicting classifications (1 of 4 stars). 2 submissions from 2 submitters: Pathogenic (1); Uncertain significance (1). Last evaluated 2024-06-10.

Conditions:
PDE6C-related disorder. Also called: PDE6C-related condition.

Allele frequency attached by ClinVar (database versions not stated): gnomAD exomes below 0.00001; TOPMed below 0.00001; ExAC 0.00001.
gnomAD v4.1: 5 of 1,611,696 alleles (0.00031%); highest among the groups gnomAD compares: South Asian, 0.0011%; no homozygotes.

Submissions (2):

Blueprint Genetics
Classification: Pathogenic for PDE6C-related disorders. Last evaluated: 2024-06-10. Review status: criteria provided, single submitter. Criteria: ACMG Guidelines, 2015. Collection method: clinical testing. Allele origin: germline. Affected: yes. Observed: 2 variant alleles.

Labcorp Genetics (formerly Invitae), Labcorp
Classification: Uncertain significance. Last evaluated: 2021-11-28. Review status: criteria provided, single submitter. Criteria: Invitae Variant Classification Sherloc (09022015). Collection method: clinical testing. Allele origin: germline.
Comment: This sequence change replaces arginine, which is basic and polar, with tryptophan, which is neutral and slightly polar, at codon 793 of the PDE6C protein (p.Arg793Trp). In summary, the available evidence is currently insufficient to determine the role of this variant in disease. Therefore, it has been classified as a Variant of Uncertain Significance. Algorithms developed to predict the effect of missense changes on protein structure and function are either unavailable or do not agree on the potential impact of this missense change (SIFT: "Deleterious"; PolyPhen-2: "Probably Damaging"; Align-GVGD: "Class C15"). This missense change has been observed in individuals with PDE6C-related conditions (PMID: 32913385, 33001157). The frequency data for this variant in the population databases is considered unreliable, as metrics indicate poor data quality at this position in the gnomAD database.

Literature cited by the submitters: PubMed 32913385 (cited by Labcorp Genetics (formerly Invitae), Labcorp); PubMed 33001157 (cited by Labcorp Genetics (formerly Invitae), Labcorp).